The following is an entry in ClinVar:

NM_014639.4(SKIC3):c.2344del (p.Gly783fs)

Gene: SKIC3 (SKI3 subunit of superkiller complex; minus strand). Cytogenetic location: 5q15.
Variant type: Deletion.
Coding change: c.2344del on transcript NM_014639.4 (MANE Select); coding-DNA position 2344, one base deleted (C; older notation c.2344delC).
Protein change: p.Gly783fs; shifts the reading frame from glycine 783.
Molecular consequence: frameshift variant.
Genome position (GRCh38, 1-based): chr5:95,517,008, G deleted on the plus strand (C on the coding strand, the reverse complement: SKIC3 is on the minus strand); the first of 2 consecutive G bases (chr5:95,517,008-95,517,009); deleting either gives the same sequence. VCF-style (leftmost placement, unchanged base first): chr5-95517007-AG-A. GRCh37 (hg19) VCF-style: chr5-94852711-AG-A.
Other names: short protein forms G783fs.
Identifiers: ClinVar variation 3692338 (VCV003692338.2).

ClinVar aggregate classification (germline): Pathogenic (1 of 4 stars; one submission).

Submission:

Labcorp Genetics (formerly Invitae), Labcorp
Classification: Pathogenic. Last evaluated: 2025-03-09. Review status: criteria provided, single submitter. Criteria: Invitae Variant Classification Sherloc (09022015). Collection method: clinical testing. Allele origin: germline.
Comment: This sequence change creates a premature translational stop signal (p.Gly783Glufs*11) in the TTC37 gene. It is expected to result in an absent or disrupted protein product. Loss-of-function variants in TTC37 are known to be pathogenic (PMID: 20176027, 21120949). This variant is not present in population databases (gnomAD no frequency). This variant has not been reported in the literature in individuals affected with TTC37-related conditions. For these reasons, this variant has been classified as Pathogenic.

Literature cited by the submitters: PubMed 20176027; PubMed 21120949.